The following is an entry in ClinVar:

NM_001291303.3(FAT4):c.4966C>A (p.Pro1656Thr)

Gene: FAT4 (FAT atypical cadherin 4; plus strand). Cytogenetic location: 4q28.1.
Variant type: single nucleotide variant.
Coding change: c.4966C>A on transcript NM_001291303.3 (MANE Select); coding-DNA position 4966, C replaced by A.
Protein change: p.Pro1656Thr; replaces proline 1656 with threonine.
Molecular consequence: missense variant.
Genome position (GRCh38, 1-based): chr4:125,321,377, C>A. VCF-style: chr4-125321377-C-A. GRCh37 (hg19) VCF-style: chr4-126242532-C-A.
Other names: c.4966C>A, p.Pro1656Thr (NM_001291285.3, NM_024582.6); short protein forms P1656T.
Identifiers: ClinVar variation 1525627 (VCV001525627.9), dbSNP rs1730936860, ClinGen allele CA358129191.

ClinVar aggregate classification (germline): Uncertain significance. Review status: criteria provided, multiple submitters, no conflicts (2 of 4 stars). 2 submissions from 2 submitters: Uncertain significance (2). Last evaluated 2023-04-11.

Submissions (2):

Blueprint Genetics
Classification: Uncertain significance. Last evaluated: 2023-04-11. Review status: criteria provided, single submitter. Criteria: ACMG Guidelines, 2015. Collection method: clinical testing. Allele origin: germline.

Labcorp Genetics (formerly Invitae), Labcorp
Classification: Uncertain significance. Last evaluated: 2021-02-18. Review status: criteria provided, single submitter. Criteria: Invitae Variant Classification Sherloc (09022015). Collection method: clinical testing. Allele origin: germline.
Comment: This sequence change replaces proline with threonine at codon 1656 of the FAT4 protein (p.Pro1656Thr). The proline residue is highly conserved and there is a small physicochemical difference between proline and threonine. This variant is not present in population databases (ExAC no frequency). This variant has not been reported in the literature in individuals with FAT4-related conditions. Advanced modeling of protein sequence and biophysical properties (such as structural, functional, and spatial information, amino acid conservation, physicochemical variation, residue mobility, and thermodynamic stability) performed at Invitae indicates that this missense variant is not expected to disrupt FAT4 protein function. In summary, the available evidence is currently insufficient to determine the role of this variant in disease. Therefore, it has been classified as a Variant of Uncertain Significance.